The following is an entry in ClinVar:

NM_017947.4(MOCOS):c.362C>T (p.Thr121Met)

Gene: MOCOS (molybdenum cofactor sulfurase; plus strand). Cytogenetic location: 18q12.2.
Variant type: single nucleotide variant.
Coding change: c.362C>T on transcript NM_017947.4 (MANE Select); coding-DNA position 362, C replaced by T.
Protein change: p.Thr121Met; replaces threonine 121 with methionine.
Molecular consequence: missense variant.
Genome position (GRCh38, 1-based): chr18:36,199,745, C>T. VCF-style: chr18-36199745-C-T. GRCh37 (hg19) VCF-style: chr18-33779708-C-T.
Other names: short protein forms T121M.
Identifiers: ClinVar variation 1351013 (VCV001351013.7), dbSNP rs770229881, ClinGen allele CA8940415.

ClinVar aggregate classification (germline): Uncertain significance. Review status: criteria provided, multiple submitters, no conflicts (2 of 4 stars). 2 submissions from 2 submitters: Uncertain significance (2). Last evaluated 2021-10-11.

Conditions:
Xanthinuria type II. Also called: Xanthine dehydrogenase and aldehyde oxidase combined deficiency of; XDH and AOX dual deficiency. Identifiers: Orphanet 3467, Orphanet 93602, MedGen C1863688, MONDO:0011346, OMIM 603592.

Allele frequency attached by ClinVar (database versions not stated): gnomAD exomes below 0.00001; ExAC 0.00001; gnomAD 0.00002.
gnomAD v4.1: 20 of 1,614,174 alleles (0.0012%); highest among the groups gnomAD compares: Middle Eastern, 0.033%; no homozygotes.

Submissions (2):

Fulgent Genetics
Classification: Uncertain significance for Xanthinuria type II. Last evaluated: 2021-10-11. Review status: criteria provided, single submitter. Criteria: ACMG Guidelines, 2015. Collection method: clinical testing. Allele origin: unknown.

Labcorp Genetics (formerly Invitae), Labcorp
Classification: Uncertain significance for Xanthinuria type II. Last evaluated: 2021-09-27. Review status: criteria provided, single submitter. Criteria: Invitae Variant Classification Sherloc (09022015). Collection method: clinical testing. Allele origin: germline.
Comment: In summary, the available evidence is currently insufficient to determine the role of this variant in disease. Therefore, it has been classified as a Variant of Uncertain Significance. Algorithms developed to predict the effect of missense changes on protein structure and function (SIFT, PolyPhen-2, Align-GVGD) all suggest that this variant is likely to be disruptive. This missense change has been observed in individual(s) with xanthinuria (PMID: 29935280). This variant is present in population databases (rs770229881, ExAC 0.006%). This sequence change replaces threonine with methionine at codon 121 of the MOCOS protein (p.Thr121Met). The threonine residue is highly conserved and there is a moderate physicochemical difference between threonine and methionine.

Literature cited by the submitters: PubMed 29935280 (cited by Labcorp Genetics (formerly Invitae), Labcorp).